The following is an entry in ClinVar:

ClinVar aggregate classification (germline): Pathogenic. Review status: criteria provided, multiple submitters, no conflicts (2 of 4 stars). 2 submissions from 2 submitters: Pathogenic (2). Last evaluated 2024-12-15.

Allele frequency attached by ClinVar (database versions not stated): TOPMed below 0.00001.

Submissions (2):

Labcorp Genetics (formerly Invitae), Labcorp
Classification: Pathogenic. Last evaluated: 2024-12-15. Review status: criteria provided, single submitter. Criteria: Invitae Variant Classification Sherloc (09022015). Collection method: clinical testing. Allele origin: germline.
Comment: This sequence change creates a premature translational stop signal (p.Tyr1097*) in the POLR3A gene. It is expected to result in an absent or disrupted protein product. Loss-of-function variants in POLR3A are known to be pathogenic (PMID: 21855841, 25339210, 27612211, 30414627, 30450527). This variant is not present in population databases (gnomAD no frequency). This variant has not been reported in the literature in individuals affected with POLR3A-related conditions. ClinVar contains an entry for this variant (Variation ID: 816986). For these reasons, this variant has been classified as Pathogenic.

GeneDx
Classification: Pathogenic. Last evaluated: 2019-03-11. Review status: criteria provided, single submitter. Criteria: GeneDx Variant Classification (06012015). Collection method: clinical testing. Allele origin: germline. Affected: yes.
Comment: The Y1097X variant in the POLR3A gene has not been reported previously as a pathogenic variant nor as a benign variant, to our knowledge. This variant is predicted to cause loss of normal protein function either through protein truncation or nonsense-mediated mRNA decay. The Y1097X variant is not observed in large population cohorts (Lek et al., 2016). We interpret Y1097X as a pathogenic variant.

Literature cited by the submitters: PubMed 21855841 (cited by Labcorp Genetics (formerly Invitae), Labcorp); PubMed 25339210 (cited by Labcorp Genetics (formerly Invitae), Labcorp); PubMed 27612211 (cited by Labcorp Genetics (formerly Invitae), Labcorp); PubMed 30414627 (cited by Labcorp Genetics (formerly Invitae), Labcorp); PubMed 30450527 (cited by Labcorp Genetics (formerly Invitae), Labcorp).

NM_007055.4(POLR3A):c.3291T>G (p.Tyr1097Ter)

Genes: POLR3A (RNA polymerase III subunit A; minus strand), LOC126860970 (BRD4-independent group 4 enhancer GRCh37_chr10:79743812-79745011; plus strand). Cytogenetic location: 10q22.3.
Variant type: single nucleotide variant.
Coding change: c.3291T>G on transcript NM_007055.4 (MANE Select); coding-DNA position 3291, T replaced by G.
Protein change: p.Tyr1097Ter; replaces tyrosine 1097 with a stop codon.
Molecular consequence: nonsense.
Genome position (GRCh38, 1-based): chr10:77,984,250, A>C on the plus strand (T>G on the coding strand, the complement: POLR3A is on the minus strand). VCF-style: chr10-77984250-A-C. GRCh37 (hg19) VCF-style: chr10-79744008-A-C.
Other names: short protein forms Y1097*.
Identifiers: ClinVar variation 816986 (VCV000816986.3), dbSNP rs760408755, ClinGen allele CA377330344.